The following is an entry in ClinVar:

NM_003108.4(SOX11):c.131C>T (p.Thr44Met)

Gene: SOX11 (SRY-box transcription factor 11; plus strand). Cytogenetic location: 2p25.2.
Variant type: single nucleotide variant.
Coding change: c.131C>T on transcript NM_003108.4 (MANE Select); coding-DNA position 131, C replaced by T.
Protein change: p.Thr44Met; replaces threonine 44 with methionine.
Molecular consequence: missense variant.
Genome position (GRCh38, 1-based): chr2:5,692,852, C>T. VCF-style: chr2-5692852-C-T. GRCh37 (hg19) VCF-style: chr2-5832984-C-T.
Other names: short protein forms T44M.
Identifiers: ClinVar variation 3657944 (VCV003657944.2).

ClinVar aggregate classification (germline): Uncertain significance (1 of 4 stars; one submission).

Submission:

Labcorp Genetics (formerly Invitae), Labcorp
Classification: Uncertain significance. Last evaluated: 2024-06-26. Review status: criteria provided, single submitter. Criteria: Invitae Variant Classification Sherloc (09022015). Collection method: clinical testing. Allele origin: germline.
Comment: This sequence change replaces threonine, which is neutral and polar, with methionine, which is neutral and non-polar, at codon 44 of the SOX11 protein (p.Thr44Met). This variant is not present in population databases (gnomAD no frequency). This missense change has been observed in individual(s) with SOX11-related conditions (PMID: 33057194). Advanced modeling of protein sequence and biophysical properties (such as structural, functional, and spatial information, amino acid conservation, physicochemical variation, residue mobility, and thermodynamic stability) performed at Invitae indicates that this missense variant is expected to disrupt SOX11 protein function with a positive predictive value of 80%. In summary, the available evidence is currently insufficient to determine the role of this variant in disease. Therefore, it has been classified as a Variant of Uncertain Significance.

Literature cited by the submitters: PubMed 33057194.